The following is an entry in ClinVar:

ClinVar aggregate classification (germline): Uncertain significance (1 of 4 stars; one submission).

Allele frequency attached by ClinVar (database versions not stated): gnomAD 0.00001; gnomAD exomes 0.00001; TOPMed 0.00001.
gnomAD v4.1: 6 of 1,613,478 alleles (0.00037%); highest among the groups gnomAD compares: Middle Eastern, 0.049%; 1 homozygote.

Submission:

GeneDx
Classification: Uncertain significance. Last evaluated: 2022-06-09. Review status: criteria provided, single submitter. Criteria: GeneDx Variant Classification Process June 2021. Collection method: clinical testing. Allele origin: germline. Affected: yes.
Comment: Not observed at significant frequency in large population cohorts (gnomAD); In silico analysis supports that this missense variant has a deleterious effect on protein structure/function; Has not been previously published as pathogenic or benign to our knowledge

NM_138691.3(TMC1):c.379G>A (p.Val127Met)

Gene: TMC1 (transmembrane channel like 1; plus strand). Cytogenetic location: 9q21.13.
Variant type: single nucleotide variant.
Coding change: c.379G>A on transcript NM_138691.3 (MANE Select); coding-DNA position 379, G replaced by A.
Protein change: p.Val127Met; replaces valine 127 with methionine.
Molecular consequence: missense variant.
Genome position (GRCh38, 1-based): chr9:72,740,135, G>A. VCF-style: chr9-72740135-G-A. GRCh37 (hg19) VCF-style: chr9-75355051-G-A.
Other names: short protein forms V127M.
Identifiers: ClinVar variation 1803399 (VCV001803399.1), dbSNP rs1417764398, ClinGen allele CA373494617.